The following is an entry in ClinVar:

ClinVar aggregate classification (germline): Uncertain significance (1 of 4 stars; one submission).

Conditions:
Beckwith-Wiedemann syndrome (BWS). Also called: Exomphalos macroglossia gigantism syndrome; EMG SYNDROME. Identifiers: Orphanet 116, MedGen C0004903, MONDO:0007534, OMIM 130650.

Submission:

Labcorp Genetics (formerly Invitae), Labcorp
Classification: Uncertain significance for Beckwith-Wiedemann syndrome. Last evaluated: 2025-03-07. Review status: criteria provided, single submitter. Criteria: Invitae Variant Classification Sherloc (09022015). Collection method: clinical testing. Allele origin: germline.
Comment: This sequence change replaces glutamic acid, which is acidic and polar, with methionine, which is neutral and non-polar, at codon 41 of the CDKN1C protein (p.Glu41Met). Information on the frequency of this variant in the gnomAD database is not available, as this variant may be reported differently in the database. This variant has not been reported in the literature in individuals affected with CDKN1C-related conditions. An algorithm developed to predict the effect of missense changes on protein structure and function (PolyPhen-2) suggests that this variant is likely to be disruptive. In summary, the available evidence is currently insufficient to determine the role of this variant in disease. Therefore, it has been classified as a Variant of Uncertain Significance.

NM_001122630.2(CDKN1C):c.88_89delinsAT (p.Glu30Met)

Gene: CDKN1C (cyclin dependent kinase inhibitor 1C; minus strand). Cytogenetic location: 11p15.4.
Variant type: Indel.
Coding change: c.88_89delinsAT on transcript NM_001122630.2 (MANE Select); coding-DNA positions 88 to 89, GA replaced by AT.
Protein change: p.Glu30Met; replaces glutamic acid 30 with methionine.
Molecular consequence: missense variant.
Genome position (GRCh38, 1-based): chr11:2,885,368-2,885,369, TC replaced by AT on the plus strand (GA replaced by AT on the coding strand, the reverse complement: CDKN1C is on the minus strand). VCF-style: chr11-2885368-TC-AT. GRCh37 (hg19) VCF-style: chr11-2906598-TC-AT.
Other names: c.121_122delinsAT, p.Glu41Met (NM_000076.2, NM_001362474.2); c.88_89delinsAT, p.Glu30Met (NM_001122631.2, NM_001362475.2); short protein forms E30M, E41M.
Identifiers: ClinVar variation 4803852 (VCV004803852.1).
Genomic context (GRCh38, chr11:2,885,368, plus strand): 5'-CAGCGGTTCTGGTCCTCGGCGTTCAGCTCGGCCAGGCGGGCCTGCAGCTCGCGGCTCAGC[TC>AT]CTCGTGGTCCACCGGCCCGAAGAGGCTGCGGCAGGCGCTGGTGCGCACTAGTACTGGGAA-3'
Protein context (NP_001116102.1, residues 20-40): RSLFGPVDHE[Glu30Met]LSRELQARLA